The following is an entry in ClinVar:

ClinVar aggregate classification (germline): Likely benign. Review status: criteria provided, multiple submitters, no conflicts (2 of 4 stars). 3 submissions from 3 submitters: Likely benign (2). 1 of the submissions does not count toward it. Last evaluated 2023-01-01.

Conditions:
ALAS2-related disorder. Also called: ALAS2-related condition.

Allele frequency attached by ClinVar (database versions not stated): ESP Exome Variant Server 0.00010; gnomAD 0.00019; ExAC 0.00020; TOPMed 0.00023.
gnomAD v4.1: 214 of 1,207,820 alleles (0.018%); highest among the groups gnomAD compares: Non-Finnish European, 0.02%; no homozygotes.

Submissions (3):

CeGaT Center for Human Genetics Tuebingen
Classification: Likely benign. Last evaluated: 2023-01-01. Review status: criteria provided, single submitter. Criteria: CeGaT Center For Human Genetics Tuebingen Variant Classification Criteria Version 2. Collection method: clinical testing. Allele origin: germline. Affected: yes. Observed: 1 variant allele.
Comment: ALAS2: BP4, BS2

Blueprint Genetics
Classification: Likely benign. Last evaluated: 2022-12-16. Review status: criteria provided, single submitter. Criteria: ACMG Guidelines, 2015. Collection method: clinical testing. Allele origin: germline.

PreventionGenetics, part of Exact Sciences
Classification: Likely benign for ALAS2-related condition. Last evaluated: 2022-11-23. Review status: no assertion criteria provided. Collection method: clinical testing. Allele origin: germline. Not counted in ClinVar's aggregate classification.
Comment: This variant is classified as likely benign based on ACMG/AMP sequence variant interpretation guidelines (Richards et al. 2015 PMID: 25741868, with internal and published modifications).

NM_000032.5(ALAS2):c.-15-1732C>T

Genes: ALAS2 (5'-aminolevulinate synthase 2; minus strand), LOC108663984 (ALAS2 intron 1 and 3 erythroid regulatory elements; plus strand). Cytogenetic location: Xp11.21.
Variant type: single nucleotide variant.
Coding change: c.-15-1732C>T on transcript NM_000032.5 (MANE Select); 1732 bases into the intron before 15 bases upstream of the start codon, C replaced by T.
Molecular consequence: intron variant.
Genome position (GRCh38, 1-based): chrX:55,027,747, G>A on the plus strand (C>T on the coding strand, the complement: ALAS2 is on the minus strand). VCF-style: chrX-55027747-G-A. GRCh37 (hg19) VCF-style: chrX-55054180-G-A.
Other names: c.-15-1732C>T (NM_001037967.4); c.57+4C>T (NM_001037968.4, NM_001037968.3).
Identifiers: ClinVar variation 2660691 (VCV002660691.26), dbSNP rs375181450, ClinGen allele CA10428511.